The following is an entry in ClinVar:

ClinVar aggregate classification (germline): Uncertain significance. Review status: criteria provided, multiple submitters, no conflicts (2 of 4 stars). 2 submissions from 2 submitters: Uncertain significance (2). Last evaluated 2025-11-12.

gnomAD v4.1: 5 of 1,613,898 alleles (0.00031%); highest among the groups gnomAD compares: Admixed American, 0.005%; no homozygotes.

Submissions (2):

Ambry Genetics
Classification: Uncertain significance. Last evaluated: 2025-11-12. Review status: criteria provided, single submitter. Criteria: Ambry Variant Classification Scheme 2023. Collection method: clinical testing. Allele origin: germline.

Labcorp Genetics (formerly Invitae), Labcorp
Classification: Uncertain significance. Last evaluated: 2024-08-20. Review status: criteria provided, single submitter. Criteria: Invitae Variant Classification Sherloc (09022015). Collection method: clinical testing. Allele origin: germline.
Comment: This sequence change replaces alanine, which is neutral and non-polar, with valine, which is neutral and non-polar, at codon 679 of the TRAP1 protein (p.Ala679Val). This variant is present in population databases (rs774331125, gnomAD 0.009%). This variant has not been reported in the literature in individuals affected with TRAP1-related conditions. Invitae Evidence Modeling of protein sequence and biophysical properties (such as structural, functional, and spatial information, amino acid conservation, physicochemical variation, residue mobility, and thermodynamic stability) indicates that this missense variant is not expected to disrupt TRAP1 protein function with a negative predictive value of 80%. In summary, the available evidence is currently insufficient to determine the role of this variant in disease. Therefore, it has been classified as a Variant of Uncertain Significance.

NM_016292.3(TRAP1):c.2036C>T (p.Ala679Val)

Genes: DNASE1 (deoxyribonuclease 1; plus strand), TRAP1 (TNF receptor associated protein 1; minus strand). Cytogenetic location: 16p13.3.
Variant type: single nucleotide variant.
Coding change: c.2036C>T on transcript NM_016292.3 (MANE Select); coding-DNA position 2036, C replaced by T.
Protein change: p.Ala679Val; replaces alanine 679 with valine.
Molecular consequence: missense variant. On other transcripts: intron variant (1).
Genome position (GRCh38, 1-based): chr16:3,658,208, G>A on the plus strand (C>T on the coding strand, the complement: TRAP1 is on the minus strand). VCF-style: chr16-3658208-G-A. GRCh37 (hg19) VCF-style: chr16-3708209-G-A.
Other names: c.1877C>T, p.Ala626Val (NM_001272049.2); c.*21+341G>A (NM_001387140.1); short protein forms A626V, A679V.
Identifiers: ClinVar variation 3672979 (VCV003672979.2).